The following is an entry in ClinVar:

NM_015335.5(MED13L):c.1029G>C (p.Gln343His)

Gene: MED13L (mediator complex subunit 13L; minus strand). Cytogenetic location: 12q24.21.
Variant type: single nucleotide variant.
Coding change: c.1029G>C on transcript NM_015335.5 (MANE Select); coding-DNA position 1029, G replaced by C.
Protein change: p.Gln343His; replaces glutamine 343 with histidine.
Molecular consequence: missense variant.
Genome position (GRCh38, 1-based): chr12:116,015,255, C>G on the plus strand (G>C on the coding strand, the complement: MED13L is on the minus strand). VCF-style: chr12-116015255-C-G. GRCh37 (hg19) VCF-style: chr12-116453060-C-G.
Other names: c.1029G>C (NM_015335.4); short protein forms Q343H.
Identifiers: ClinVar variation 623820 (VCV000623820.46), dbSNP rs749587320, ClinGen allele CA6811516.

ClinVar aggregate classification (germline): Conflicting classifications of pathogenicity. Review status: criteria provided, conflicting classifications (1 of 4 stars). 4 submissions from 4 submitters: Uncertain significance (2); Likely benign (2). Last evaluated 2025-12-23.

Conditions:
Inborn genetic diseases. Identifiers: MedGen C0950123, MeSH D030342.
Dextro-looped transposition of the great arteries. Also called: Dextrotransposition of the great arteries. Identifiers: Orphanet 860, MedGen C3531771, MONDO:0019443, OMIM 608808, HP:0031348.

Allele frequency attached by ClinVar (database versions not stated): ExAC 0.00001; gnomAD 0.00001; gnomAD exomes 0.00001; TOPMed 0.00001.
gnomAD v4.1: 13 of 1,613,706 alleles (0.00081%); highest among the groups gnomAD compares: Non-Finnish European, 0.0011%; no homozygotes.

Submissions (4):

Dasa
Classification: Uncertain significance. Last evaluated: 2025-12-23. Review status: criteria provided, single submitter. Criteria: DASA Assertion Criteria. Collection method: clinical testing. Allele origin: germline.
Comment: NM_015335.5(MED13L):c.1029G>C (p.Gln343His) is a missense variant that results in the substitution of glutamine with histidine. This variant is rare in population databases. Computational prediction algorithms are consistent with a benign effect. The currently available literature and clinical evidence are not sufficient to establish a definitive association between this variant and the reported condition. Therefore, this variant is classified as a variant of uncertain significance.

Labcorp Genetics (formerly Invitae), Labcorp
Classification: Uncertain significance for Dextro-looped transposition of the great arteries. Last evaluated: 2025-10-21. Review status: criteria provided, single submitter. Criteria: Invitae Variant Classification Sherloc (09022015). Collection method: clinical testing. Allele origin: germline.
Comment: This sequence change replaces glutamine, which is neutral and polar, with histidine, which is basic and polar, at codon 343 of the MED13L protein (p.Gln343His). This variant is present in population databases (rs749587320, gnomAD 0.002%). This variant has not been reported in the literature in individuals affected with MED13L-related conditions. ClinVar contains an entry for this variant (Variation ID: 623820). Invitae Evidence Modeling of protein sequence and biophysical properties (such as structural, functional, and spatial information, amino acid conservation, physicochemical variation, residue mobility, and thermodynamic stability) indicates that this missense variant is not expected to disrupt MED13L protein function with a negative predictive value of 80%. In summary, the available evidence is currently insufficient to determine the role of this variant in disease. Therefore, it has been classified as a Variant of Uncertain Significance.

CeGaT Center for Human Genetics Tuebingen
Classification: Likely benign. Last evaluated: 2025-08-01. Review status: criteria provided, single submitter. Criteria: CeGaT Center For Human Genetics Tuebingen Variant Classification Criteria Version 2. Collection method: clinical testing. Allele origin: germline. Affected: yes. Observed: 2 variant alleles.
Comment: MED13L: BP4, BS2

Ambry Genetics
Classification: Likely benign for Inborn genetic diseases. Last evaluated: 2025-04-21. Review status: criteria provided, single submitter. Criteria: Ambry Variant Classification Scheme 2023. Collection method: clinical testing. Allele origin: germline.